The following is an entry in ClinVar:

NM_001105206.3(LAMA4):c.2976+5G>A

Gene: LAMA4 (laminin subunit alpha 4; minus strand). Cytogenetic location: 6q21.
Variant type: single nucleotide variant.
Coding change: c.2976+5G>A on transcript NM_001105206.3 (MANE Select); 5 bases into the intron after coding-DNA position 2976, G replaced by A.
Molecular consequence: intron variant.
Genome position (GRCh38, 1-based): chr6:112,140,755, C>T on the plus strand (G>A on the coding strand, the complement: LAMA4 is on the minus strand). VCF-style: chr6-112140755-C-T. GRCh37 (hg19) VCF-style: chr6-112461957-C-T.
Other names: c.2955+5G>A (NM_002290.5, NM_001105207.3).
Identifiers: ClinVar variation 2134188 (VCV002134188.4), dbSNP rs2547023891, ClinGen allele CA2580074830.

ClinVar aggregate classification (germline): Uncertain significance (1 of 4 stars; one submission).

Conditions:
Dilated cardiomyopathy 1JJ (CMD1JJ). Identifiers: Orphanet 154, MedGen C3808935, MONDO:0014095, OMIM 615235.

Submission:

Labcorp Genetics (formerly Invitae), Labcorp
Classification: Uncertain significance for Dilated cardiomyopathy 1JJ. Last evaluated: 2022-05-05. Review status: criteria provided, single submitter. Criteria: Invitae Variant Classification Sherloc (09022015). Collection method: clinical testing. Allele origin: germline.
Comment: In summary, the available evidence is currently insufficient to determine the role of this variant in disease. Therefore, it has been classified as a Variant of Uncertain Significance. Variants that disrupt the consensus splice site are a relatively common cause of aberrant splicing (PMID: 17576681, 9536098). Algorithms developed to predict the effect of sequence changes on RNA splicing suggest that this variant may disrupt the consensus splice site. This variant has not been reported in the literature in individuals affected with LAMA4-related conditions. This variant is not present in population databases (gnomAD no frequency). This sequence change falls in intron 22 of the LAMA4 gene. It does not directly change the encoded amino acid sequence of the LAMA4 protein. It affects a nucleotide within the consensus splice site.

Literature cited by the submitters: PubMed 17576681; PubMed 9536098.